The following is an entry in ClinVar:

NM_001042492.3(NF1):c.6303del (p.Tyr2102fs)

Gene: NF1 (neurofibromin 1; plus strand). Cytogenetic location: 17q11.2.
Variant type: Deletion.
Coding change: c.6303del on transcript NM_001042492.3 (MANE Select); coding-DNA position 6303, one base deleted (C; older notation c.6303delC).
Protein change: p.Tyr2102fs; shifts the reading frame from tyrosine 2102.
Molecular consequence: frameshift variant.
Genome position (GRCh38, 1-based): chr17:31,336,790, C deleted; the last of 3 consecutive C bases (chr17:31,336,788-31,336,790); deleting any one gives the same sequence. VCF-style (leftmost placement, unchanged base first): chr17-31336787-TC-T. GRCh37 (hg19) VCF-style: chr17-29663805-TC-T.
Other names: c.6240delC (NM_000267.3); c.6240delC, p.Tyr2081Thrfs (NM_000267.4); short protein forms Y2102fs, Y2081fs.
Identifiers: ClinVar variation 826263 (VCV000826263.8), dbSNP rs1597842936, ClinGen allele CA915949917.

ClinVar aggregate classification (germline): Pathogenic. Review status: criteria provided, multiple submitters, no conflicts (2 of 4 stars). 3 submissions from 3 submitters: Pathogenic (3). Last evaluated 2025-06-23.

Conditions:
Cardiovascular phenotype. Identifiers: MedGen CN230736.
Hereditary cancer-predisposing syndrome. Also called: Neoplastic Syndromes, Hereditary; Hereditary Cancer Syndrome; Tumor predisposition; Hereditary neoplastic syndrome. Identifiers: Orphanet 140162, MedGen C0027672, MeSH D009386, MONDO:0015356.
NF1-related disorder. Also called: NF1-related condition. Identifiers: MedGen CN379171.

Submissions (3):

PreventionGenetics, part of Exact Sciences
Classification: Pathogenic for NF1-related condition. Last evaluated: 2025-06-23. Review status: criteria provided, single submitter. Criteria: ACMG Guidelines, 2015. Collection method: clinical testing. Allele origin: germline.
Comment: The NF1 c.6303delC variant is predicted to result in a frameshift and premature protein termination (p.Tyr2102Thrfs*9). To our knowledge, this variant has not been reported in the literature or in a large population database (gnomAD), indicating this variant is rare. This variant is classified as pathogenic in ClinVar. Frameshift variants in NF1 are expected to be pathogenic. This variant is interpreted as pathogenic.

GeneDx
Classification: Pathogenic. Last evaluated: 2024-09-16. Review status: criteria provided, single submitter. Criteria: GeneDx Variant Classification Process June 2021. Collection method: clinical testing. Allele origin: germline. Affected: yes.
Comment: Frameshift variant predicted to result in protein truncation or nonsense mediated decay in a gene for which loss of function is a known mechanism of disease; Not observed at significant frequency in large population cohorts (gnomAD); Has not been previously published as pathogenic or benign to our knowledge

Ambry Genetics
Classification: Pathogenic for Cardiovascular phenotype; Hereditary cancer-predisposing syndrome. Last evaluated: 2018-07-24. Review status: criteria provided, single submitter. Criteria: Ambry Variant Classification Scheme 2023. Collection method: clinical testing. Allele origin: germline.
Comment: The c.6240delC pathogenic mutation, located in coding exon 41 of the NF1 gene, results from a deletion of one nucleotide at nucleotide position 6240, causing a translational frameshift with a predicted alternate stop codon (p.Y2081Tfs*9). This alteration is expected to result in loss of function by premature protein truncation or nonsense-mediated mRNA decay. As such, this alteration is interpreted as a disease-causing mutation.